The following is an entry in ClinVar:

ClinVar aggregate classification (germline): Likely benign (0 of 4 stars; one submission).

Conditions:
FDXR-related disorder. Also called: FDXR-related condition; FDXR-related disorders.

Submission:

PreventionGenetics, part of Exact Sciences
Classification: Likely benign for FDXR-related condition. Last evaluated: 2020-07-31. Review status: no assertion criteria provided. Collection method: clinical testing. Allele origin: germline.
Comment: This variant is classified as likely benign based on ACMG/AMP sequence variant interpretation guidelines (Richards et al. 2015 PMID: 25741868, with internal and published modifications).

NM_024417.5(FDXR):c.271-10G>T

Gene: FDXR (ferredoxin reductase; minus strand). Cytogenetic location: 17q25.1.
Variant type: single nucleotide variant.
Coding change: c.271-10G>T on transcript NM_024417.5 (MANE Select); 10 bases into the intron before coding-DNA position 271, G replaced by T.
Molecular consequence: intron variant.
Genome position (GRCh38, 1-based): chr17:74,866,578, C>A on the plus strand (G>T on the coding strand, the complement: FDXR is on the minus strand). VCF-style: chr17-74866578-C-A. GRCh37 (hg19) VCF-style: chr17-72862700-C-A.
Other names: c.271-34G>T (NM_001258014.4); c.271-10G>T (NM_004110.6); c.273+206G>T (NM_001258015.3); c.400-10G>T (NM_001258012.4); c.364-10G>T (NM_001258013.4); c.115-10G>T (NM_001258016.3).
Identifiers: ClinVar variation 3036154 (VCV003036154.2), dbSNP rs2509786009, ClinGen allele CA2639742904.